The following is an entry in ClinVar:

NM_001001563.5(TIMM50):c.937C>G (p.Gln313Glu)

Gene: TIMM50 (translocase of inner mitochondrial membrane 50; plus strand). Cytogenetic location: 19q13.2.
Variant type: single nucleotide variant.
Coding change: c.937C>G on transcript NM_001001563.5 (MANE Select); coding-DNA position 937, C replaced by G.
Protein change: p.Gln313Glu; replaces glutamine 313 with glutamic acid.
Molecular consequence: missense variant.
Genome position (GRCh38, 1-based): chr19:39,488,622, C>G. VCF-style: chr19-39488622-C-G. GRCh37 (hg19) VCF-style: chr19-39979262-C-G.
Other names: c.598C>G, p.Gln200Glu (NM_001329559.2); c.1246C>G (NM_001001563.1); short protein forms Q200E, Q313E.
Identifiers: ClinVar variation 1800678 (VCV001800678.2), dbSNP rs2079524038, ClinGen allele CA405790432.

ClinVar aggregate classification (germline): Uncertain significance. Review status: criteria provided, multiple submitters, no conflicts (2 of 4 stars). 2 submissions from 2 submitters: Uncertain significance (2). Last evaluated 2023-12-22.

Conditions:
Inborn genetic diseases. Identifiers: MedGen C0950123, MeSH D030342.

Submissions (2):

Ambry Genetics
Classification: Uncertain significance for Inborn genetic diseases. Last evaluated: 2023-12-22. Review status: criteria provided, single submitter. Criteria: Ambry Variant Classification Scheme 2023. Collection method: clinical testing. Allele origin: germline.

GeneDx
Classification: Uncertain significance. Last evaluated: 2022-05-20. Review status: criteria provided, single submitter. Criteria: GeneDx Variant Classification Process June 2021. Collection method: clinical testing. Allele origin: germline. Affected: yes.
Comment: Not observed at significant frequency in large population cohorts (gnomAD); In silico analysis supports that this missense variant does not alter protein structure/function; Has not been previously published as pathogenic or benign to our knowledge